The following is an entry in ClinVar:

NM_000157.4(GBA1):c.595dup (p.Leu199fs)

Genes: GBA1 (glucosylceramidase beta 1; minus strand), LOC106627981 (GBA recombination region; plus strand). Cytogenetic location: 1q22.
Variant type: Duplication.
Coding change: c.595dup on transcript NM_000157.4 (MANE Select); coding-DNA position 595, one base duplicated (C; older notation c.595dupC).
Protein change: p.Leu199fs; shifts the reading frame from leucine 199.
Molecular consequence: frameshift variant.
Genome position (GRCh38, 1-based): chr1:155,238,300, G duplicated on the plus strand (C on the coding strand, the reverse complement: GBA1 is on the minus strand); the first of 4 consecutive G bases (chr1:155,238,300-155,238,303); duplicating any one gives the same sequence. VCF-style (leftmost placement, unchanged base first): chr1-155238299-A-AG. GRCh37 (hg19) VCF-style: chr1-155208090-A-AG.
Other names: c.595dup, p.Leu199fs (NM_001005741.3, NM_001005742.3); c.334dup, p.Leu112fs (NM_001171811.2); c.448dup, p.Leu150fs (NM_001171812.2); short protein forms L112fs, L150fs, L199fs.
Identifiers: ClinVar variation 4068405 (VCV004068405.2).

ClinVar aggregate classification (germline): Likely pathogenic (1 of 4 stars; one submission).

Conditions:
Gaucher disease. Also called: Kerasin lipoidosis; Kerasin thesaurismosis; Acute cerebral Gaucher disease; Cerebroside lipidosis syndrome; Gaucher splenomegaly; Sphingolipidosis 1. Identifiers: Orphanet 355, MedGen C0017205, MONDO:0018150.

Submission:

Natera, Inc.
Classification: Likely pathogenic for Gaucher disease. Last evaluated: 2025-03-24. Review status: criteria provided, single submitter. Criteria: Natera Variant Classification Schema (03/2026). Collection method: clinical testing. Allele origin: germline.
Comment: The c.595dup variant in GBA1 is a frameshift variant predicted to shift the reading frame beginning at codon 199 and leads to a stop codon 63 codons downstream. This variant is expected to result in nonsense mediated decay, truncation, or a dysfunctional protein product. This variant is rare in the general population with a frequency below the threshold expected for the associated phenotype(s). Given the available evidence, this variant is classified as Likely Pathogenic.